The following is an entry in ClinVar:

NM_006514.4(SCN10A):c.3280C>A (p.Pro1094Thr)

Genes: SCN10A (sodium voltage-gated channel alpha subunit 10; minus strand), LOC110121288 (VISTA enhancer hs2268; plus strand). Cytogenetic location: 3p22.2.
Variant type: single nucleotide variant.
Coding change: c.3280C>A on transcript NM_006514.4 (MANE Select); coding-DNA position 3280, C replaced by A.
Protein change: p.Pro1094Thr; replaces proline 1094 with threonine.
Molecular consequence: missense variant.
Genome position (GRCh38, 1-based): chr3:38,723,502, G>T on the plus strand (C>A on the coding strand, the complement: SCN10A is on the minus strand). VCF-style: chr3-38723502-G-T. GRCh37 (hg19) VCF-style: chr3-38764993-G-T.
Other names: c.3277C>A, p.Pro1093Thr (NM_001293306.2); c.2986C>A, p.Pro996Thr (NM_001293307.2); c.3280C>A (NM_006514.2); short protein forms P996T, P1093T, P1094T.
Identifiers: ClinVar variation 1401009 (VCV001401009.7), dbSNP rs973127854, ClinGen allele CA72958557.

ClinVar aggregate classification (germline): Uncertain significance. Review status: criteria provided, multiple submitters, no conflicts (2 of 4 stars). 2 submissions from 2 submitters: Uncertain significance (2). Last evaluated 2025-01-28.

Conditions:
Brugada syndrome. Also called: Sudden Unexplained Death Syndrome; Sudden Unexplained Nocturnal Death Syndrome (SUNDS); Sudden unexplained nocturnal death syndrome; Sudden unexpected nocturnal death syndrome. Identifiers: Orphanet 130, MedGen C1142166, MONDO:0015263.
Cardiovascular phenotype. Identifiers: MedGen CN230736.

Allele frequency attached by ClinVar (database versions not stated): gnomAD 0.00001.
gnomAD v4.1: 2 of 1,613,220 alleles (0.00012%); highest among the groups gnomAD compares: Admixed American, 0.0017%; no homozygotes.

Submissions (2):

Labcorp Genetics (formerly Invitae), Labcorp
Classification: Uncertain significance for Brugada syndrome. Last evaluated: 2025-01-28. Review status: criteria provided, single submitter. Criteria: Invitae Variant Classification Sherloc (09022015). Collection method: clinical testing. Allele origin: germline.
Comment: This sequence change replaces proline, which is neutral and non-polar, with threonine, which is neutral and polar, at codon 1094 of the SCN10A protein (p.Pro1094Thr). This variant is not present in population databases (gnomAD no frequency). This variant has not been reported in the literature in individuals affected with SCN10A-related conditions. ClinVar contains an entry for this variant (Variation ID: 1401009). Invitae Evidence Modeling of protein sequence and biophysical properties (such as structural, functional, and spatial information, amino acid conservation, physicochemical variation, residue mobility, and thermodynamic stability) indicates that this missense variant is not expected to disrupt SCN10A protein function with a negative predictive value of 80%. In summary, the available evidence is currently insufficient to determine the role of this variant in disease. Therefore, it has been classified as a Variant of Uncertain Significance.

Ambry Genetics
Classification: Uncertain significance for Cardiovascular phenotype. Last evaluated: 2023-07-29. Review status: criteria provided, single submitter. Criteria: Ambry Variant Classification Scheme 2023. Collection method: clinical testing. Allele origin: germline.
Comment: The p.P1094T variant (also known as c.3280C>A), located in coding exon 18 of the SCN10A gene, results from a C to A substitution at nucleotide position 3280. The proline at codon 1094 is replaced by threonine, an amino acid with highly similar properties. This amino acid position is conserved. In addition, the in silico prediction for this alteration is inconclusive. Since supporting evidence is limited at this time, the clinical significance of this alteration remains unclear.